The following is an entry in ClinVar:

ClinVar aggregate classification (germline): Pathogenic. Review status: criteria provided, multiple submitters, no conflicts (2 of 4 stars). 5 submissions from 5 submitters: Pathogenic (4). 1 of the submissions does not count toward it. Last evaluated 2025-09-10.

Conditions:
Familial thyroid dyshormonogenesis. Identifiers: Orphanet 95716, MedGen C4273748, MONDO:0010132.
Thyroid dyshormonogenesis 6 (TDH6). Also called: Genetic transient congenital hypothyroidism; HYPOTHYROIDISM, CONGENITAL, DUE TO DYSHORMONOGENESIS, 6; THYROID HORMONOGENESIS, GENETIC DEFECT IN, 6. Identifiers: Orphanet 226316, Orphanet 95716, MedGen C1846632, MONDO:0011792, OMIM 607200.

Allele frequency attached by ClinVar (database versions not stated): gnomAD exomes below 0.00001 and 0.00001; TOPMed below 0.00001.
gnomAD v4.1: 3 of 1,614,136 alleles (0.00019%); highest among the groups gnomAD compares: Non-Finnish European, 0.00025%; no homozygotes.

Submissions (5):

Genomic Medicine Center of Excellence, King Faisal Specialist Hospital and Research Centre
Classification: Pathogenic for Thyroid dyshormonogenesis 6. Last evaluated: 2025-09-10. Review status: criteria provided, single submitter. Criteria: ACMG Guidelines, 2015. Collection method: clinical testing. Allele origin: germline.

Labcorp Genetics (formerly Invitae), Labcorp
Classification: Pathogenic. Last evaluated: 2024-02-01. Review status: criteria provided, single submitter. Criteria: Invitae Variant Classification Sherloc (09022015). Collection method: clinical testing. Allele origin: germline.
Comment: This sequence change creates a premature translational stop signal (p.Gln686*) in the DUOX2 gene. It is expected to result in an absent or disrupted protein product. Loss-of-function variants in DUOX2 are known to be pathogenic (PMID: 12110737, 18765513, 21565790, 24423310, 24735383). This variant is present in population databases (rs119472027, gnomAD 0.0009%). This premature translational stop signal has been observed in individual(s) with iodide organization defect (PMID: 12110737). ClinVar contains an entry for this variant (Variation ID: 4063). Algorithms developed to predict the effect of sequence changes on RNA splicing suggest that this variant may create or strengthen a splice site. For these reasons, this variant has been classified as Pathogenic.

Department of Pathology and Laboratory Medicine, Sinai Health System
Classification: Pathogenic for Familial thyroid dyshormonogenesis; Thyroid dyshormonogenesis 6. Last evaluated: 2022-04-06. Review status: criteria provided, single submitter. Criteria: ACMG Guidelines, 2015. Collection method: research. Allele origin: germline.

Institute of Medical Genetics and Applied Genomics, University Hospital Tübingen
Classification: Pathogenic. Last evaluated: 2020-10-23. Review status: criteria provided, single submitter. Criteria: ACMG Guidelines, 2015. Collection method: clinical testing. Allele origin: germline. Inheritance: Autosomal recessive inheritance. Affected: yes.

OMIM
Classification: Pathogenic for THYROID DYSHORMONOGENESIS 6. Last evaluated: 2002-07-11. Review status: no assertion criteria provided. Collection method: literature only. Allele origin: germline. Not counted in ClinVar's aggregate classification.

Literature cited by the submitters: PubMed 12110737 (cited by Labcorp Genetics (formerly Invitae), Labcorp and OMIM); PubMed 18765513 (cited by Labcorp Genetics (formerly Invitae), Labcorp); PubMed 21565790 (cited by Labcorp Genetics (formerly Invitae), Labcorp); PubMed 24423310 (cited by Labcorp Genetics (formerly Invitae), Labcorp); PubMed 24735383 (cited by Labcorp Genetics (formerly Invitae), Labcorp).

NM_001363711.2(DUOX2):c.2056C>T (p.Gln686Ter)

Gene: DUOX2 (dual oxidase 2; minus strand). Cytogenetic location: 15q21.1.
Variant type: single nucleotide variant.
Coding change: c.2056C>T on transcript NM_001363711.2 (MANE Select); coding-DNA position 2056, C replaced by T.
Protein change: p.Gln686Ter; replaces glutamine 686 with a stop codon.
Molecular consequence: nonsense.
Genome position (GRCh38, 1-based): chr15:45,106,217, G>A on the plus strand (C>T on the coding strand, the complement: DUOX2 is on the minus strand). VCF-style: chr15-45106217-G-A. GRCh37 (hg19) VCF-style: chr15-45398415-G-A.
Other names: c.2056C>T, p.Gln686Ter (NM_014080.5); short protein forms Q686*.
Identifiers: ClinVar variation 4063 (VCV000004063.9), dbSNP rs119472027, ClinGen allele CA116638.